The following is an entry in ClinVar:

NM_018365.4(MNS1):c.68_69delinsAG (p.Cys23Ter)

Gene: MNS1 (meiosis specific nuclear structural 1; minus strand). Cytogenetic location: 15q21.3.
Variant type: Indel.
Coding change: c.68_69delinsAG on transcript NM_018365.4 (MANE Select); coding-DNA positions 68 to 69, GC replaced by AG.
Protein change: p.Cys23Ter; replaces cysteine 23 with a stop codon.
Molecular consequence: nonsense.
Genome position (GRCh38, 1-based): chr15:56,464,182-56,464,183, GC replaced by CT on the plus strand (GC replaced by AG on the coding strand, the reverse complement: MNS1 is on the minus strand). VCF-style: chr15-56464182-GC-CT. GRCh37 (hg19) VCF-style: chr15-56756380-GC-CT.
Other names: p.(Cys23Ter); short protein forms C23*.
Identifiers: ClinVar variation 3024124 (VCV003024124.3), dbSNP rs2548617770, ClinGen allele CA2740096718.

ClinVar aggregate classification (germline): Pathogenic. Review status: criteria provided, single submitter (1 of 4 stars). 2 submissions from 2 submitters: Pathogenic (1). 1 of the submissions does not count toward it. Last evaluated 2021-05-31.

Conditions:
Multiple congenital anomalies/dysmorphic syndrome-intellectual disability. Identifiers: Orphanet 102283, MedGen C5680372, MONDO:0015159.
Heterotaxy, visceral, 9, autosomal, with male infertility. Identifiers: MedGen C5394551, MONDO:0030070, OMIM 618948.

Submissions (2):

AURAGEN, Plan France Médecine Génomique
Classification: Pathogenic for Multiple congenital anomalies/dysmorphic syndrome-intellectual disability. Last evaluated: 2021-05-31. Review status: criteria provided, single submitter. Criteria: PFMG2025 (Lancet Reg Health Eur. 2025). Collection method: clinical testing. Allele origin: germline. Affected: yes.

Genetics of Infertility and Preimplantation Genetic Diagnosis, Centre Hospitalier Universitaire Grenoble Alpes
Classification: Pathogenic for Heterotaxy, visceral, 9, autosomal, with male infertility. Last evaluated: 2024-02-07. Review status: no assertion criteria provided. Collection method: clinical testing. Allele origin: germline. Affected: yes. Not counted in ClinVar's aggregate classification.
Comment: This variant was observerd in trans position with variant (NM_018365.4:c.605dup)